The following is an entry in ClinVar:

ClinVar aggregate classification (germline): Likely benign. Review status: criteria provided, single submitter (1 of 4 stars). 2 submissions from 2 submitters: Likely benign (1). 1 of the submissions does not count toward it. Last evaluated 2022-09-06.

Conditions:
RPGRIP1L-related disorder. Also called: RPGRIP1L-related condition; RPGRIP1L-related disorders. Identifiers: MedGen CN239416.
Joubert syndrome. Also called: Familial aplasia of the vermis; JOUBERT-BOLTSHAUSER SYNDROME. Identifiers: Orphanet 475, MedGen C5979921, MONDO:0018772.
Meckel-Gruber syndrome. Also called: DYSENCEPHALIA SPLANCHNOCYSTICA; Dysencephalia splachnocystica; GRUBER SYNDROME. Identifiers: Orphanet 564, MedGen C0265215, MONDO:0018921.

Allele frequency attached by ClinVar (database versions not stated): ExAC 0.00001; gnomAD 0.00001; gnomAD exomes 0.00001; TOPMed 0.00001.
gnomAD v4.1: 5 of 1,613,538 alleles (0.00031%); highest among the groups gnomAD compares: Non-Finnish European, 0.00042%; no homozygotes.

Submissions (2):

Labcorp Genetics (formerly Invitae), Labcorp
Classification: Likely benign for Joubert syndrome; Meckel-Gruber syndrome. Last evaluated: 2022-09-06. Review status: criteria provided, single submitter. Criteria: Invitae Variant Classification Sherloc (09022015). Collection method: clinical testing. Allele origin: germline.

PreventionGenetics, part of Exact Sciences
Classification: Likely benign for RPGRIP1L-related condition. Last evaluated: 2021-12-30. Review status: no assertion criteria provided. Collection method: clinical testing. Allele origin: germline. Not counted in ClinVar's aggregate classification.
Comment: This variant is classified as likely benign based on ACMG/AMP sequence variant interpretation guidelines (Richards et al. 2015 PMID: 25741868, with internal and published modifications).

NM_015272.5(RPGRIP1L):c.1755C>A (p.Ile585=)

Gene: RPGRIP1L (RPGRIP1 like; minus strand). Cytogenetic location: 16q12.2.
Variant type: single nucleotide variant.
Coding change: c.1755C>A on transcript NM_015272.5 (MANE Select); coding-DNA position 1755, C replaced by A.
Protein change: p.Ile585=; no amino-acid change (isoleucine 585 retained).
Molecular consequence: synonymous variant.
Genome position (GRCh38, 1-based): chr16:53,652,932, G>T on the plus strand (C>A on the coding strand, the complement: RPGRIP1L is on the minus strand). VCF-style: chr16-53652932-G-T. GRCh37 (hg19) VCF-style: chr16-53686844-G-T.
Other names: c.1755C>A (NM_015272.4); c.1755C>A, p.Ile585= (NM_001127897.4, NM_001308334.3, NM_001330538.2).
Identifiers: ClinVar variation 1638754 (VCV001638754.10), dbSNP rs767506927, ClinGen allele CA8057708.